The following is an entry in ClinVar:

ClinVar aggregate classification (germline): Benign. Review status: criteria provided, multiple submitters, no conflicts (2 of 4 stars). 9 submissions from 9 submitters: Benign (5). 4 of the submissions do not count toward it. Last evaluated 2026-02-04.

Conditions:
Usher syndrome type 2C. Also called: Usher syndrome, type 2B; USHER SYNDROME, TYPE IIC. Identifiers: Orphanet 231178, Orphanet 886, MedGen C2931213, MONDO:0011558, OMIM 605472.

Allele frequency attached by ClinVar (database versions not stated): TOPMed 0.06634; gnomAD 0.06764 and 0.06931; 1000 Genomes Project 0.07009; 1000 Genomes Project 30x 0.07074; gnomAD exomes 0.07165 and 0.07535; ESP Exome Variant Server 0.07306; ExAC 0.07403.
gnomAD v4.1: 120,826 of 1,613,630 alleles (7.5%); highest among the groups gnomAD compares: South Asian, 12%; 5,014 homozygotes.

Submissions (9):

Labcorp Genetics (formerly Invitae), Labcorp
Classification: Benign. Last evaluated: 2026-02-04. Review status: criteria provided, single submitter. Criteria: Invitae Variant Classification Sherloc (09022015). Collection method: clinical testing. Allele origin: germline.

Mayo Clinic Laboratories, Mayo Clinic
Classification: Benign. Last evaluated: 2020-12-04. Review status: criteria provided, single submitter. Criteria: ACMG Guidelines, 2015. Collection method: clinical testing. Allele origin: germline. Observed: 18 variant alleles.

Illumina Laboratory Services, Illumina
Classification: Benign for Usher syndrome type 2C. Last evaluated: 2018-01-13. Review status: criteria provided, single submitter. Criteria: ICSL Variant Classification Criteria 13 December 2019. Collection method: clinical testing. Allele origin: germline.
Comment: This variant was observed in the ICSL laboratory as part of a predisposition screen in an ostensibly healthy population. It had not been previously curated by ICSL or reported in the Human Gene Mutation Database (HGMD: prior to June 1st, 2018), and was therefore a candidate for classification through an automated scoring system. Utilizing variant allele frequency, disease prevalence and penetrance estimates, and inheritance mode, an automated score was calculated to assess if this variant is too frequent to cause the disease. Based on the score and internal cut-off values, a variant classified as benign is not then subjected to further curation. The score for this variant resulted in a classification of benign for this disease.

GeneDx
Classification: Benign. Last evaluated: 2013-01-14. Review status: criteria provided, single submitter. Criteria: GeneDx Variant Classification (06012015). Collection method: clinical testing. Allele origin: germline. Affected: yes.
Comment: This variant is considered likely benign or benign based on one or more of the following criteria: it is a conservative change, it occurs at a poorly conserved position in the protein, it is predicted to be benign by multiple in silico algorithms, and/or has population frequency not consistent with disease.

Laboratory for Molecular Medicine, Mass General Brigham Personalized Medicine
Classification: Benign. Last evaluated: 2010-03-30. Review status: criteria provided, single submitter. Criteria: LMM Criteria. Collection method: clinical testing. Allele origin: germline. Observed: 252 variant alleles.

Genetic Services Laboratory, University of Chicago
Classification: Likely benign. Review status: no assertion criteria provided. Collection method: clinical testing. Allele origin: germline. Inheritance: Autosomal dominant inheritance. Not counted in ClinVar's aggregate classification.
Comment: Likely benign based on allele frequency in 1000 Genomes Project or ESP global frequency and its presence in a patient with a rare or unrelated disease phenotype. NOT Sanger confirmed

Genome Diagnostics Laboratory, University Medical Center Utrecht
Classification: Benign. Review status: no assertion criteria provided. Collection method: clinical testing. Allele origin: germline. Affected: yes. Study: VKGL Data-share Consensus. Not counted in ClinVar's aggregate classification.

Joint Genome Diagnostic Labs from Nijmegen and Maastricht, Radboudumc and MUMC+
Classification: Benign. Review status: no assertion criteria provided. Collection method: clinical testing. Allele origin: germline. Affected: yes. Study: VKGL Data-share Consensus. Not counted in ClinVar's aggregate classification.

NEI Ophthalmic Genomics Laboratory, National Institutes of Health
No classification provided. Review status: no classification provided. Collection method: not provided. Allele origin: not provided. Not counted in ClinVar's aggregate classification.

NM_032119.4(ADGRV1):c.5780C>T (p.Thr1927Met)

Gene: ADGRV1 (adhesion G protein-coupled receptor V1; plus strand). Cytogenetic location: 5q14.3.
Variant type: single nucleotide variant.
Coding change: c.5780C>T on transcript NM_032119.4 (MANE Select); coding-DNA position 5780, C replaced by T.
Protein change: p.Thr1927Met; replaces threonine 1927 with methionine.
Molecular consequence: missense variant. On other transcripts: non-coding transcript variant (1).
Genome position (GRCh38, 1-based): chr5:90,683,701, C>T. VCF-style: chr5-90683701-C-T. GRCh37 (hg19) VCF-style: chr5-89979518-C-T.
Other names: p.T1927M:ACG>ATG; short protein forms T1927M.
Identifiers: ClinVar variation 46339 (VCV000046339.24), dbSNP rs17544552, ClinGen allele CA138149.